The following is an entry in ClinVar:

NM_001848.3(COL6A1):c.1061T>C (p.Ile354Thr)

Gene: COL6A1 (collagen type VI alpha 1 chain; plus strand). Cytogenetic location: 21q22.3.
Variant type: single nucleotide variant.
Coding change: c.1061T>C on transcript NM_001848.3 (MANE Select); coding-DNA position 1061, T replaced by C.
Protein change: p.Ile354Thr; replaces isoleucine 354 with threonine.
Molecular consequence: missense variant.
Genome position (GRCh38, 1-based): chr21:45,990,983, T>C. VCF-style: chr21-45990983-T-C. GRCh37 (hg19) VCF-style: chr21-47410897-T-C.
Other names: short protein forms I354T.
Identifiers: ClinVar variation 1471226 (VCV001471226.8), dbSNP rs2077773578, ClinGen allele CA410523580.

ClinVar aggregate classification (germline): Uncertain significance (1 of 4 stars; one submission).

Conditions:
Bethlem myopathy 1A. Also called: Bethlem myopathy 1; Bethlem Muscular Dystrophy; MYOPATHY, BENIGN CONGENITAL, WITH CONTRACTURES. Identifiers: Orphanet 610, MedGen CN029274, MONDO:0024530, OMIM 158810.

Allele frequency attached by ClinVar (database versions not stated): gnomAD exomes below 0.00001; TOPMed below 0.00001; gnomAD 0.00001.
gnomAD v4.1: 2 of 1,613,240 alleles (0.00012%); highest among the groups gnomAD compares: Non-Finnish European, 0.000085%; no homozygotes.

Submission:

Labcorp Genetics (formerly Invitae), Labcorp
Classification: Uncertain significance for Bethlem myopathy 1A. Last evaluated: 2023-10-03. Review status: criteria provided, single submitter. Criteria: Invitae Variant Classification Sherloc (09022015). Collection method: clinical testing. Allele origin: germline.
Comment: This sequence change replaces isoleucine, which is neutral and non-polar, with threonine, which is neutral and polar, at codon 354 of the COL6A1 protein (p.Ile354Thr). This variant is not present in population databases (gnomAD no frequency). This variant has not been reported in the literature in individuals affected with COL6A1-related conditions. ClinVar contains an entry for this variant (Variation ID: 1471226). Advanced modeling of protein sequence and biophysical properties (such as structural, functional, and spatial information, amino acid conservation, physicochemical variation, residue mobility, and thermodynamic stability) performed at Invitae indicates that this missense variant is expected to disrupt COL6A1 protein function. In summary, the available evidence is currently insufficient to determine the role of this variant in disease. Therefore, it has been classified as a Variant of Uncertain Significance.